The following is an entry in ClinVar:

ClinVar aggregate classification (germline): Uncertain significance (1 of 4 stars; one submission).

Conditions:
STAT3 gain of function. Identifiers: MedGen C4288261.
Hyper-IgE recurrent infection syndrome 1, autosomal dominant. Also called: STAT3 Hyper IgE Syndrome; Hyper-IgE recurrent infection syndrome 1; JOB SYNDROME; HYPER-IgE SYNDROME 1, AUTOSOMAL DOMINANT, WITH RECURRENT INFECTIONS; Job's Syndrome. Identifiers: Orphanet 2314, MedGen C2936739, MONDO:0007818, OMIM 147060.

Allele frequency attached by ClinVar (database versions not stated): gnomAD exomes below 0.00001; TOPMed 0.00001; gnomAD 0.00002.
gnomAD v4.1: 5 of 1,613,586 alleles (0.00031%); highest among the groups gnomAD compares: Admixed American, 0.0067%; no homozygotes.

Submission:

Labcorp Genetics (formerly Invitae), Labcorp
Classification: Uncertain significance for STAT3 gain of function; Hyper-IgE recurrent infection syndrome 1, autosomal dominant. Last evaluated: 2023-09-08. Review status: criteria provided, single submitter. Criteria: Invitae Variant Classification Sherloc (09022015). Collection method: clinical testing. Allele origin: germline.
Comment: In summary, the available evidence is currently insufficient to determine the role of this variant in disease. Therefore, it has been classified as a Variant of Uncertain Significance. This variant disrupts the p.Lys531 amino acid residue in STAT3. Other variant(s) that disrupt this residue have been determined to be pathogenic (PMID: 19348930). This suggests that this residue is clinically significant, and that variants that disrupt this residue are likely to be disease-causing. Advanced modeling of protein sequence and biophysical properties (such as structural, functional, and spatial information, amino acid conservation, physicochemical variation, residue mobility, and thermodynamic stability) performed at Invitae indicates that this missense variant is not expected to disrupt STAT3 protein function. This variant has not been reported in the literature in individuals affected with STAT3-related conditions. This variant is present in population databases (no rsID available, gnomAD 0.003%). This sequence change replaces lysine, which is basic and polar, with arginine, which is basic and polar, at codon 531 of the STAT3 protein (p.Lys531Arg).

Literature cited by the submitters: PubMed 19348930.

NM_139276.3(STAT3):c.1592A>G (p.Lys531Arg)

Gene: STAT3 (signal transducer and activator of transcription 3; minus strand). Cytogenetic location: 17q21.2.
Variant type: single nucleotide variant.
Coding change: c.1592A>G on transcript NM_139276.3 (MANE Select); coding-DNA position 1592, A replaced by G.
Protein change: p.Lys531Arg; replaces lysine 531 with arginine.
Molecular consequence: missense variant.
Genome position (GRCh38, 1-based): chr17:42,324,719, T>C on the plus strand (A>G on the coding strand, the complement: STAT3 is on the minus strand). VCF-style: chr17-42324719-T-C. GRCh37 (hg19) VCF-style: chr17-40476737-T-C.
Other names: c.1592A>G, p.Lys531Arg (NM_003150.4, NM_213662.2, NM_001384988.1 and 10 more transcripts); c.1508A>G, p.Lys503Arg (NM_001384984.1); c.1514A>G, p.Lys505Arg (NM_001384985.1); c.1607A>G, p.Lys536Arg (NM_001384986.1, NM_001384990.1); c.1571A>G, p.Lys524Arg (NM_001384987.1); c.1496A>G, p.Lys499Arg (NM_001384989.1); c.1532A>G, p.Lys511Arg (NM_001384992.1); short protein forms K536R, K503R, K499R, K511R, K505R, K524R, K531R.
Identifiers: ClinVar variation 2950651 (VCV002950651.3), dbSNP rs1319979477, ClinGen allele CA399585897.